The following is an entry in ClinVar:

NC_000004.11:g.(?_121616266)_(124323706_?)del

Genes: IL21 (interleukin 21; minus strand), QRFPR (pyroglutamylated RFamide peptide receptor; minus strand), SMIM43 (small integral membrane protein 43; minus strand), SPRY1 (sprouty RTK signaling antagonist 1; plus strand), TNIP3 (TNFAIP3 interacting protein 3; minus strand) and 14 more. Cytogenetic location: 4q27-28.1.
Variant type: Deletion.
Identifiers: ClinVar variation 3246755 (VCV003246755.1).

ClinVar aggregate classification (germline): Uncertain significance (1 of 4 stars; one submission).

Submission:

Labcorp Genetics (formerly Invitae), Labcorp
Classification: Uncertain significance. Last evaluated: 2024-01-02. Review status: criteria provided, single submitter. Criteria: Invitae Variant Classification Sherloc (09022015). Collection method: clinical testing. Allele origin: unknown.
Comment: A gross deletion of the genomic region encompassing the full coding sequence of the IL21 gene has been identified. The current clinical and genetic evidence is not sufficient to establish whether loss-of-function variants in IL21 cause disease. The boundaries of this event are unknown as they extend beyond the assayed region for this gene and therefore may encompass additional genes. This variant has not been reported in the literature in individuals affected with IL21-related conditions. In summary, the available evidence is currently insufficient to determine the role of this variant in disease. Therefore, it has been classified as a Variant of Uncertain Significance.